The following is an entry in ClinVar:

ClinVar aggregate classification (germline): Conflicting classifications of pathogenicity. Review status: criteria provided, conflicting classifications (1 of 4 stars). 3 submissions from 3 submitters: Uncertain significance (2); Likely benign (1). Last evaluated 2025-08-06.

Conditions:
Emery-Dreifuss muscular dystrophy 5, autosomal dominant (EDMD5). Also called: EMERY-DREIFUSS MUSCULAR DYSTROPHY 5. Identifiers: Orphanet 261, MedGen C2751805, MONDO:0013072, OMIM 612999.

Allele frequency attached by ClinVar (database versions not stated): gnomAD 0.00002 and 0.00005; gnomAD exomes 0.00005 and 0.00018; TOPMed 0.00008; ExAC 0.00013; 1000 Genomes Project 30x 0.00016; 1000 Genomes Project 0.00020.
gnomAD v4.1: 80 of 1,613,936 alleles (0.005%); highest among the groups gnomAD compares: Admixed American, 0.05%; 1 homozygote.

Submissions (3):

Labcorp Genetics (formerly Invitae), Labcorp
Classification: Likely benign for Emery-Dreifuss muscular dystrophy 5, autosomal dominant. Last evaluated: 2025-08-06. Review status: criteria provided, single submitter. Criteria: Invitae Variant Classification Sherloc (09022015). Collection method: clinical testing. Allele origin: germline.

Ambry Genetics
Classification: Uncertain significance. Last evaluated: 2024-12-30. Review status: criteria provided, single submitter. Criteria: Ambry Variant Classification Scheme 2023. Collection method: clinical testing. Allele origin: germline.

Baylor Genetics
Classification: Uncertain significance for Emery-Dreifuss muscular dystrophy 5, autosomal dominant. Last evaluated: 2019-07-25. Review status: criteria provided, single submitter. Criteria: ACMG Guidelines, 2015. Collection method: clinical testing. Allele origin: unknown. Affected: yes.
Comment: This variant was determined to be of uncertain significance according to ACMG Guidelines, 2015 [PMID:25741868].

NM_182914.3(SYNE2):c.9778C>T (p.Arg3260Cys)

Gene: SYNE2 (spectrin repeat containing nuclear envelope protein 2; plus strand). Cytogenetic location: 14q23.2.
Variant type: single nucleotide variant.
Coding change: c.9778C>T on transcript NM_182914.3 (MANE Select); coding-DNA position 9778, C replaced by T.
Protein change: p.Arg3260Cys; replaces arginine 3260 with cysteine.
Molecular consequence: missense variant.
Genome position (GRCh38, 1-based): chr14:64,055,977, C>T. VCF-style: chr14-64055977-C-T. GRCh37 (hg19) VCF-style: chr14-64522695-C-T.
Other names: c.9778C>T, p.Arg3260Cys (NM_015180.6); short protein forms R3260C.
Identifiers: ClinVar variation 1030386 (VCV001030386.11), dbSNP rs570116954, ClinGen allele CA7221351.